The following is an entry in ClinVar:

NM_000064.4(C3):c.2063A>G (p.Lys688Arg)

Gene: C3 (complement C3; minus strand). Cytogenetic location: 19p13.3.
Variant type: single nucleotide variant.
Coding change: c.2063A>G on transcript NM_000064.4 (MANE Select); coding-DNA position 2063, A replaced by G.
Protein change: p.Lys688Arg; replaces lysine 688 with arginine.
Molecular consequence: missense variant.
Genome position (GRCh38, 1-based): chr19:6,707,258, T>C on the plus strand (A>G on the coding strand, the complement: C3 is on the minus strand). VCF-style: chr19-6707258-T-C. GRCh37 (hg19) VCF-style: chr19-6707269-T-C.
Other names: short protein forms K688R.
Identifiers: ClinVar variation 4743050 (VCV004743050.1).

ClinVar aggregate classification (germline): Uncertain significance (1 of 4 stars; one submission).

gnomAD v4.1: 1 of 1,610,760 alleles (0.000062%); no homozygotes.

Submission:

Labcorp Genetics (formerly Invitae), Labcorp
Classification: Uncertain significance. Last evaluated: 2025-03-18. Review status: criteria provided, single submitter. Criteria: Invitae Variant Classification Sherloc (09022015). Collection method: clinical testing. Allele origin: germline.
Comment: This sequence change replaces lysine, which is basic and polar, with arginine, which is basic and polar, at codon 688 of the C3 protein (p.Lys688Arg). This variant is not present in population databases (gnomAD no frequency). This variant has not been reported in the literature in individuals affected with C3-related conditions. Invitae Evidence Modeling of protein sequence and biophysical properties (such as structural, functional, and spatial information, amino acid conservation, physicochemical variation, residue mobility, and thermodynamic stability) indicates that this missense variant is not expected to disrupt C3 protein function with a negative predictive value of 80%. In summary, the available evidence is currently insufficient to determine the role of this variant in disease. Therefore, it has been classified as a Variant of Uncertain Significance.